The following is an entry in ClinVar:

ClinVar aggregate classification (germline): Uncertain significance (1 of 4 stars; one submission).

Conditions:
Arrhythmogenic right ventricular dysplasia 13. Also called: Arrhythmogenic right ventricular dysplasia, familial, 13; ARRHYTHMOGENIC RIGHT VENTRICULAR CARDIOMYOPATHY 13. Identifiers: MedGen C3810138, MONDO:0000908, OMIM 615616.

gnomAD v4.1: 11 of 1,613,946 alleles (0.00068%); highest among the groups gnomAD compares: South Asian, 0.0088%; no homozygotes.

Submission:

Labcorp Genetics (formerly Invitae), Labcorp
Classification: Uncertain significance for Arrhythmogenic right ventricular dysplasia 13. Last evaluated: 2023-08-10. Review status: criteria provided, single submitter. Criteria: Invitae Variant Classification Sherloc (09022015). Collection method: clinical testing. Allele origin: germline.
Comment: Advanced modeling of protein sequence and biophysical properties (such as structural, functional, and spatial information, amino acid conservation, physicochemical variation, residue mobility, and thermodynamic stability) performed at Invitae indicates that this missense variant is not expected to disrupt CTNNA3 protein function. This variant has not been reported in the literature in individuals affected with CTNNA3-related conditions. This variant is present in population databases (rs778712224, gnomAD 0.006%). This sequence change replaces alanine, which is neutral and non-polar, with threonine, which is neutral and polar, at codon 852 of the CTNNA3 protein (p.Ala852Thr). In summary, the available evidence is currently insufficient to determine the role of this variant in disease. Therefore, it has been classified as a Variant of Uncertain Significance.

NM_013266.4(CTNNA3):c.2554G>A (p.Ala852Thr)

Gene: CTNNA3 (catenin alpha 3; minus strand). Cytogenetic location: 10q21.3.
Variant type: single nucleotide variant.
Coding change: c.2554G>A on transcript NM_013266.4 (MANE Select); coding-DNA position 2554, G replaced by A.
Protein change: p.Ala852Thr; replaces alanine 852 with threonine.
Molecular consequence: missense variant.
Genome position (GRCh38, 1-based): chr10:65,920,464, C>T on the plus strand (G>A on the coding strand, the complement: CTNNA3 is on the minus strand). VCF-style: chr10-65920464-C-T. GRCh37 (hg19) VCF-style: chr10-67680222-C-T.
Other names: c.2554G>A, p.Ala852Thr (NM_001127384.3); short protein forms A852T.
Identifiers: ClinVar variation 2702902 (VCV002702902.3), dbSNP rs778712224, ClinGen allele CA5519556.